The following is an entry in ClinVar:

NM_182925.5(FLT4):c.1003G>A (p.Val335Ile)

Gene: FLT4 (fms related receptor tyrosine kinase 4; minus strand). Cytogenetic location: 5q35.3.
Variant type: single nucleotide variant.
Coding change: c.1003G>A on transcript NM_182925.5 (MANE Select); coding-DNA position 1003, G replaced by A.
Protein change: p.Val335Ile; replaces valine 335 with isoleucine.
Molecular consequence: missense variant.
Genome position (GRCh38, 1-based): chr5:180,628,982, C>T on the plus strand (G>A on the coding strand, the complement: FLT4 is on the minus strand). VCF-style: chr5-180628982-C-T. GRCh37 (hg19) VCF-style: chr5-180055982-C-T.
Other names: c.1003G>A, p.Val335Ile (NM_001354989.2, NM_002020.5); short protein forms V335I.
Identifiers: ClinVar variation 2629137 (VCV002629137.1), dbSNP rs147644625, ClinGen allele CA3606920.

ClinVar aggregate classification (germline): Uncertain significance (1 of 4 stars; one submission).

Conditions:
FLT4-related disorder. Also called: FLT4-related condition.

Allele frequency attached by ClinVar (database versions not stated): TOPMed 0.00002.
gnomAD v4.1: 8 of 1,612,448 alleles (0.0005%); highest among the groups gnomAD compares: Admixed American, 0.005%; no homozygotes.

Submission:

PreventionGenetics, part of Exact Sciences
Classification: Uncertain significance for FLT4-related condition. Last evaluated: 2023-08-15. Review status: criteria provided, single submitter. Criteria: ACMG Guidelines, 2015. Collection method: clinical testing. Allele origin: germline.
Comment: The FLT4 c.1003G>A variant is predicted to result in the amino acid substitution p.Val335Ile. To our knowledge, this variant has not been reported in the literature. This variant is reported in 0.0085% of alleles in individuals of Latino descent in gnomAD. At this time, the clinical significance of this variant is uncertain due to the absence of conclusive functional and genetic evidence.